The following is an entry in ClinVar:

ClinVar aggregate classification (germline): Uncertain significance. Review status: criteria provided, multiple submitters, no conflicts (2 of 4 stars). 3 submissions from 3 submitters: Uncertain significance (3). Last evaluated 2026-08-16.

Conditions:
Hereditary cancer-predisposing syndrome. Also called: Hereditary Cancer Syndrome; Neoplastic Syndromes, Hereditary; Hereditary neoplastic syndrome; Tumor predisposition. Identifiers: Orphanet 140162, MedGen C0027672, MeSH D009386, MONDO:0015356.
Familial adenomatous polyposis 1 (FAP1). Also called: FAMILIAL ADENOMATOUS POLYPOSIS 1, ATTENUATED; POLYPOSIS, ADENOMATOUS INTESTINAL. Identifiers: MedGen C2713442, MONDO:0021056, OMIM 175100. Disease mechanism: loss of function.

Submissions (3):

Ambry Genetics
Classification: Uncertain significance for Hereditary cancer-predisposing syndrome. Last evaluated: 2026-08-16. Review status: criteria provided, single submitter. Criteria: Ambry Variant Classification Scheme 2023. Collection method: clinical testing. Allele origin: germline.
Comment: The p.S2768R variant (also known as c.8304C>G), located in coding exon 15 of the APC gene, results from a C to G substitution at nucleotide position 8304. The serine at codon 2768 is replaced by arginine, an amino acid with dissimilar properties. This amino acid position is conserved. In addition, in silico predictors for this gene do not accurately predict pathogenicity. Based on the available evidence, the clinical significance of this variant remains unclear.

Color Diagnostics, LLC DBA Color Health
Classification: Uncertain significance for Hereditary cancer-predisposing syndrome. Last evaluated: 2025-06-23. Review status: criteria provided, single submitter. Criteria: ACMG Guidelines, 2015. Collection method: clinical testing. Allele origin: germline.
Comment: This missense variant replaces serine with arginine at codon 2768 of the APC protein. Computational prediction suggests that this variant may not impact protein structure and function. To our knowledge, functional studies have not been reported for this variant. This variant has not been reported in individuals affected with APC-related disorders in the literature. This variant has not been identified in the general population by the Genome Aggregation Database (gnomAD). The available evidence is insufficient to determine the role of this variant in disease conclusively. Therefore, this variant is classified as a Variant of Uncertain Significance.

Labcorp Genetics (formerly Invitae), Labcorp
Classification: Uncertain significance for Familial adenomatous polyposis 1. Last evaluated: 2023-12-07. Review status: criteria provided, single submitter. Criteria: Invitae Variant Classification Sherloc (09022015). Collection method: clinical testing. Allele origin: germline.
Comment: This sequence change replaces serine, which is neutral and polar, with arginine, which is basic and polar, at codon 2768 of the APC protein (p.Ser2768Arg). This variant is not present in population databases (gnomAD no frequency). This variant has not been reported in the literature in individuals affected with APC-related conditions. ClinVar contains an entry for this variant (Variation ID: 1369866). Advanced modeling of protein sequence and biophysical properties (such as structural, functional, and spatial information, amino acid conservation, physicochemical variation, residue mobility, and thermodynamic stability) performed at Invitae indicates that this missense variant is not expected to disrupt APC protein function with a negative predictive value of 95%. In summary, the available evidence is currently insufficient to determine the role of this variant in disease. Therefore, it has been classified as a Variant of Uncertain Significance.

NM_000038.6(APC):c.8304C>G (p.Ser2768Arg)

Gene: APC (APC regulator of Wnt signaling pathway; plus strand). Cytogenetic location: 5q22.2.
Variant type: single nucleotide variant.
Coding change: c.8304C>G on transcript NM_000038.6 (MANE Select); coding-DNA position 8304, C replaced by G.
Protein change: p.Ser2768Arg; replaces serine 2768 with arginine.
Molecular consequence: missense variant.
Genome position (GRCh38, 1-based): chr5:112,843,898, C>G. VCF-style: chr5-112843898-C-G. GRCh37 (hg19) VCF-style: chr5-112179595-C-G.
Other names: c.8304C>G, p.Ser2768Arg (NM_001127510.3, NM_001354895.2); c.8250C>G, p.Ser2750Arg (NM_001127511.3); c.8358C>G, p.Ser2786Arg (NM_001354896.2); c.8334C>G, p.Ser2778Arg (NM_001354897.2); c.8229C>G, p.Ser2743Arg (NM_001354898.2); c.8220C>G, p.Ser2740Arg (NM_001354899.2); c.8181C>G, p.Ser2727Arg (NM_001354900.2); c.8127C>G, p.Ser2709Arg (NM_001354901.2); and 6 more; short protein forms S2709R, S2743R, S2778R, S2786R, S2740R, S2642R, S2768R, S2485R.
Identifiers: ClinVar variation 1369866 (VCV001369866.10), dbSNP rs1554089057, ClinGen allele CA16039351.
Genomic context (GRCh38, chr5:112,843,898, plus strand): 5'-ATCAGAGACTAATGAAAGTTCTATAGTGGAACGTACCCCATTCAGTTCTAGCAGCTCAAG[C>G]AAACACAGTTCACCTAGTGGGACTGTTGCTGCCAGAGTGACTCCTTTTAATTACAACCCA-3'
Protein context (NP_000029.2, residues 2758-2778): ERTPFSSSSS[Ser2768Arg]KHSSPSGTVA